The following is an entry in ClinVar:

NM_001371279.1(REEP1):c.483A>G (p.Gly161=)

Gene: REEP1 (receptor accessory protein 1; minus strand). Cytogenetic location: 2p11.2.
Variant type: single nucleotide variant.
Coding change: c.483A>G on transcript NM_001371279.1 (MANE Select); coding-DNA position 483, A replaced by G.
Protein change: p.Gly161=; no amino-acid change (glycine 161 retained).
Molecular consequence: synonymous variant. On other transcripts: missense variant (1), intron variant (1).
Genome position (GRCh38, 1-based): chr2:86,232,737, T>C on the plus strand (A>G on the coding strand, the complement: REEP1 is on the minus strand). VCF-style: chr2-86232737-T-C. GRCh37 (hg19) VCF-style: chr2-86459860-T-C.
Other names: c.504A>G, p.Gly168= (NM_001164730.2); c.402A>G, p.Gly134= (NM_001164731.2); c.248A>G, p.Glu83Gly (NM_001164732.2); c.483A>G, p.Gly161= (NM_022912.3); c.418-15627A>G (NM_001371280.1); short protein forms E83G.
Identifiers: ClinVar variation 380348 (VCV000380348.47), dbSNP rs373854674, ClinGen allele CA1748706.

ClinVar aggregate classification (germline): Conflicting classifications of pathogenicity. Review status: criteria provided, conflicting classifications (1 of 4 stars). 5 submissions from 5 submitters: Uncertain significance (1); Likely benign (4). Last evaluated 2025-09-23.

Conditions:
Inborn genetic diseases. Identifiers: MedGen C0950123, MeSH D030342.
Hereditary spastic paraplegia 31. Also called: SPASTIC PARAPLEGIA 31, AUTOSOMAL DOMINANT. Identifiers: Orphanet 101011, MedGen C1853247, MONDO:0012453, OMIM 610250.
REEP1-related disorder. Also called: REEP1-related condition.

Allele frequency attached by ClinVar (database versions not stated): ExAC 0.00003; gnomAD exomes 0.00008 and 0.00026; TOPMed 0.00014; ESP Exome Variant Server 0.00015; gnomAD 0.00015.
gnomAD v4.1: 418 of 1,608,094 alleles (0.026%); highest among the groups gnomAD compares: Non-Finnish European, 0.033%; no homozygotes.

Submissions (5):

PreventionGenetics, part of Exact Sciences
Classification: Uncertain significance for REEP1-related condition. Last evaluated: 2025-09-23. Review status: criteria provided, single submitter. Criteria: ACMG Guidelines, 2015. Collection method: clinical testing. Allele origin: germline.
Comment: The REEP1 c.483A>G variant is not predicted to result in an amino acid change (p.=). Of note, this variant can also be referred to as c.248A>G (p.Glu83Gly) with an alternate isoform, NM_001164732. To our knowledge, this variant has not been reported in the literature. This variant is reported in 0.017% of alleles in individuals of European (non-Finnish) descent in gnomAD. At this time, the clinical significance of this variant is uncertain due to the absence of conclusive functional and genetic evidence.

Labcorp Genetics (formerly Invitae), Labcorp
Classification: Likely benign for Hereditary spastic paraplegia 31. Last evaluated: 2025-08-19. Review status: criteria provided, single submitter. Criteria: Invitae Variant Classification Sherloc (09022015). Collection method: clinical testing. Allele origin: germline.

Ambry Genetics
Classification: Likely benign for Inborn genetic diseases. Last evaluated: 2025-03-26. Review status: criteria provided, single submitter. Criteria: Ambry Variant Classification Scheme 2023. Collection method: clinical testing. Allele origin: germline.

CeGaT Center for Human Genetics Tuebingen
Classification: Likely benign. Last evaluated: 2022-06-01. Review status: criteria provided, single submitter. Criteria: CeGaT Center For Human Genetics Tuebingen Variant Classification Criteria Version 2. Collection method: clinical testing. Allele origin: germline. Affected: yes. Observed: 2 variant alleles.
Comment: REEP1: PP3, BP1, BP5

GeneDx
Classification: Likely benign. Last evaluated: 2018-04-18. Review status: criteria provided, single submitter. Criteria: GeneDx Variant Classification Process June 2021. Collection method: clinical testing. Allele origin: germline. Affected: yes.